The following is an entry in ClinVar:

NM_018063.5(HELLS):c.2007dup (p.Phe670fs)

Gene: HELLS (helicase, lymphoid specific; plus strand). Cytogenetic location: 10q23.33.
Variant type: Duplication.
Coding change: c.2007dup on transcript NM_018063.5 (MANE Select); coding-DNA position 2007, one base duplicated (C; older notation c.2007dupC).
Protein change: p.Phe670fs; shifts the reading frame from phenylalanine 670.
Molecular consequence: frameshift variant.
Genome position (GRCh38, 1-based): chr10:94,593,534, C duplicated. VCF-style (leftmost placement, unchanged base first): chr10-94593533-T-TC. GRCh37 (hg19) VCF-style: chr10-96353290-T-TC.
Other names: c.2145dup, p.Phe716fs (NM_001289067.2); c.1959dup, p.Phe654fs (NM_001289068.2); c.1911dup, p.Phe638fs (NM_001289069.2); c.1713dup, p.Phe572fs (NM_001289070.2); c.1635dup, p.Phe546fs (NM_001289071.2); c.1617dup, p.Phe540fs (NM_001289072.2); c.1593dup, p.Phe532fs (NM_001289073.2); c.924dup, p.Phe309fs (NM_001289074.2); and 1 more; short protein forms F264fs, F309fs, F532fs, F540fs, F546fs, F572fs, F638fs, F654fs.
Identifiers: ClinVar variation 3347608 (VCV003347608.1).

ClinVar aggregate classification (germline): Likely pathogenic (0 of 4 stars; one submission).

Conditions:
HELLS-related disorder. Also called: HELLS-related condition.

Submission:

PreventionGenetics, part of Exact Sciences
Classification: Likely pathogenic for HELLS-related condition. Last evaluated: 2024-05-07. Review status: no assertion criteria provided. Collection method: clinical testing. Allele origin: germline.
Comment: The HELLS c.2007dupC variant is predicted to result in a frameshift and premature protein termination (p.Phe670Leufs*13). To our knowledge, this variant has not been reported in the literature or in a large population database, indicating this variant is rare. Frameshift variants in HELLS are expected to be pathogenic. This variant is interpreted as likely pathogenic.